The following is an entry in ClinVar:

ClinVar aggregate classification (germline): Uncertain significance. Review status: criteria provided, multiple submitters, no conflicts (2 of 4 stars). 4 submissions from 4 submitters: Uncertain significance (4). Last evaluated 2026-01-08.

Conditions:
Familial adenomatous polyposis 1 (FAP1). Also called: FAMILIAL ADENOMATOUS POLYPOSIS 1, ATTENUATED; POLYPOSIS, ADENOMATOUS INTESTINAL. Identifiers: MedGen C2713442, MONDO:0021056, OMIM 175100. Disease mechanism: loss of function.
Hereditary cancer-predisposing syndrome. Also called: Neoplastic Syndromes, Hereditary; Tumor predisposition; Hereditary Cancer Syndrome; Hereditary neoplastic syndrome. Identifiers: Orphanet 140162, MedGen C0027672, MeSH D009386, MONDO:0015356.

Submissions (4):

Labcorp Genetics (formerly Invitae), Labcorp
Classification: Uncertain significance for Familial adenomatous polyposis 1. Last evaluated: 2026-01-08. Review status: criteria provided, single submitter. Criteria: Invitae Variant Classification Sherloc (09022015). Collection method: clinical testing. Allele origin: germline.
Comment: This sequence change replaces aspartic acid, which is acidic and polar, with asparagine, which is neutral and polar, at codon 798 of the APC protein (p.Asp798Asn). This variant is not present in population databases (gnomAD no frequency). This variant has not been reported in the literature in individuals affected with APC-related conditions. ClinVar contains an entry for this variant (Variation ID: 821201). Invitae Evidence Modeling of protein sequence and biophysical properties (such as structural, functional, and spatial information, amino acid conservation, physicochemical variation, residue mobility, and thermodynamic stability) indicates that this missense variant is not expected to disrupt APC protein function with a negative predictive value of 95%. In summary, the available evidence is currently insufficient to determine the role of this variant in disease. Therefore, it has been classified as a Variant of Uncertain Significance.

Color Diagnostics, LLC DBA Color Health
Classification: Uncertain significance for Hereditary cancer-predisposing syndrome. Last evaluated: 2025-08-11. Review status: criteria provided, single submitter. Criteria: ACMG Guidelines, 2015. Collection method: clinical testing. Allele origin: germline.
Comment: This missense variant replaces aspartic acid with asparagine at codon 798 of the APC protein. Computational prediction suggests that this variant may not impact protein structure and function. To our knowledge, functional studies have not been reported for this variant. This variant has not been reported in individuals affected with APC-related disorders in the literature. This variant has not been identified in the general population by the Genome Aggregation Database (gnomAD). The available evidence is insufficient to determine the role of this variant in disease conclusively. Therefore, this variant is classified as a Variant of Uncertain Significance.

Ambry Genetics
Classification: Uncertain significance for Hereditary cancer-predisposing syndrome. Last evaluated: 2025-02-28. Review status: criteria provided, single submitter. Criteria: Ambry Variant Classification Scheme 2023. Collection method: clinical testing. Allele origin: germline.
Comment: The p.D798N variant (also known as c.2392G>A), located in coding exon 15 of the APC gene, results from a G to A substitution at nucleotide position 2392. The aspartic acid at codon 798 is replaced by asparagine, an amino acid with highly similar properties. Missense alterations in APC are not a common cause of disease (Spier I et al. Genet Med. 2024 Feb;26(2):100992). This amino acid position is not well conserved in available vertebrate species. In addition, in silico predictors for this gene do not accurately predict pathogenicity. Based on the available evidence, the clinical significance of this variant remains unclear.

Baylor Genetics
Classification: Uncertain significance for Familial adenomatous polyposis 1. Last evaluated: 2023-05-02. Review status: criteria provided, single submitter. Criteria: ACMG Guidelines, 2015. Collection method: clinical testing. Allele origin: unknown.

NM_000038.6(APC):c.2392G>A (p.Asp798Asn)

Gene: APC (APC regulator of Wnt signaling pathway; plus strand). Cytogenetic location: 5q22.2.
Variant type: single nucleotide variant.
Coding change: c.2392G>A on transcript NM_000038.6 (MANE Select); coding-DNA position 2392, G replaced by A.
Protein change: p.Asp798Asn; replaces aspartic acid 798 with asparagine.
Molecular consequence: missense variant.
Genome position (GRCh38, 1-based): chr5:112,837,986, G>A. VCF-style: chr5-112837986-G-A. GRCh37 (hg19) VCF-style: chr5-112173683-G-A.
Other names: c.1543G>A, p.Asp515Asn (NM_001354906.2); c.2392G>A, p.Asp798Asn (NM_001127510.3, NM_001354895.2); c.2338G>A, p.Asp780Asn (NM_001127511.3); c.2446G>A, p.Asp816Asn (NM_001354896.2); c.2422G>A, p.Asp808Asn (NM_001354897.2); c.2317G>A, p.Asp773Asn (NM_001354898.2); c.2308G>A, p.Asp770Asn (NM_001354899.2); c.2269G>A, p.Asp757Asn (NM_001354900.2); and 5 more; short protein forms D515N, D697N, D739N, D808N, D638N, D672N, D707N, D780N.
Identifiers: ClinVar variation 821201 (VCV000821201.14), dbSNP rs777515315, ClinGen allele CA16026587.
Genomic context (GRCh38, chr5:112,837,986, plus strand): 5'-AATTTAAGTCCCAAGGCATCTCATCGTAGTAAGCAGAGACACAAGCAAAGTCTCTATGGT[G>A]ATTATGTTTTTGACACCAATCGACATGATGATAATAGGTCAGACAATTTTAATACTGGCA-3'
Protein context (NP_000029.2, residues 788-808): KQRHKQSLYG[Asp798Asn]YVFDTNRHDD